The following is an entry in ClinVar:

ClinVar aggregate classification (germline): Likely benign. Review status: criteria provided, multiple submitters, no conflicts (2 of 4 stars). 2 submissions from 2 submitters: Likely benign (2). Last evaluated 2022-03-01.

Allele frequency attached by ClinVar (database versions not stated): ExAC 0.00038; 1000 Genomes Project 0.00040; gnomAD exomes 0.00041; 1000 Genomes Project 30x 0.00047; gnomAD 0.00055; TOPMed 0.00058; ESP Exome Variant Server 0.00100.
gnomAD v4.1: 886 of 1,613,502 alleles (0.055%); highest among the groups gnomAD compares: Non-Finnish European, 0.068%; 1 homozygote.

Submissions (2):

CeGaT Center for Human Genetics Tuebingen
Classification: Likely benign. Last evaluated: 2022-03-01. Review status: criteria provided, single submitter. Criteria: CeGaT Center For Human Genetics Tuebingen Variant Classification Criteria Version 2. Collection method: clinical testing. Allele origin: germline. Affected: yes. Observed: 1 variant allele.
Comment: EP400: BP4, BP7

Labcorp Genetics (formerly Invitae), Labcorp
Classification: Likely benign. Last evaluated: 2019-12-31. Review status: criteria provided, single submitter. Criteria: Invitae Variant Classification Sherloc (09022015). Collection method: clinical testing. Allele origin: germline.

NM_015409.5(EP400):c.8376C>T (p.Pro2792=)

Gene: EP400 (E1A binding protein p400; plus strand). Cytogenetic location: 12q24.33.
Variant type: single nucleotide variant.
Coding change: c.8376C>T on transcript NM_015409.5 (MANE Select); coding-DNA position 8376, C replaced by T.
Protein change: p.Pro2792=; no amino-acid change (proline 2792 retained).
Molecular consequence: synonymous variant.
Genome position (GRCh38, 1-based): chr12:132,064,709, C>T. VCF-style: chr12-132064709-C-T. GRCh37 (hg19) VCF-style: chr12-132549254-C-T.
Identifiers: ClinVar variation 773269 (VCV000773269.28), dbSNP rs139518186, ClinGen allele CA6887161.